The following is an entry in ClinVar:

ClinVar aggregate classification (germline): Pathogenic (1 of 4 stars; one submission).

Conditions:
Deafness-lymphedema-leukemia syndrome. Also called: Emberger syndrome; Lymphedema, primary, with myelodysplasia. Identifiers: Orphanet 3226, MedGen C3279664, MONDO:0013540, OMIM 614038.
GATA2 deficiency with susceptibility to MDS/AML. Identifiers: MedGen CN300066, MONDO:0042982.

Submission:

Molecular Pathology Research Laboratory, SA Pathology
Classification: Pathogenic for GATA2 deficiency with susceptibility to MDS/AML; Deafness-lymphedema-leukemia syndrome. Last evaluated: 2021-07-06. Review status: criteria provided, single submitter. Criteria: ACMG Guidelines, 2015. Collection method: curation. Allele origin: unknown. Inheritance: Autosomal dominant inheritance. Affected: yes. Observed: 1 variant allele.
Comment: PVS1, PS4_Supporting, PM2

Literature cited by the submitters: PubMed 26702063.

NM_032638.5(GATA2):c.1017+1del

Gene: GATA2 (GATA binding protein 2; minus strand). Cytogenetic location: 3q21.3.
Variant type: Deletion.
Coding change: c.1017+1del on transcript NM_032638.5 (MANE Select); the canonical splice donor site of the intron after coding-DNA position 1017, one base deleted (G; older notation c.1017+1delG).
Molecular consequence: splice donor variant.
Genome position (GRCh38, 1-based): chr3:128,483,859, C deleted on the plus strand (G on the coding strand, the reverse complement: GATA2 is on the minus strand); the first of 2 consecutive C bases (chr3:128,483,859-128,483,860); deleting either gives the same sequence. VCF-style (leftmost placement, unchanged base first): chr3-128483858-AC-A. GRCh37 (hg19) VCF-style: chr3-128202701-AC-A.
Other names: c.1017+1del (NM_001145662.1, NM_001145661.2).
Identifiers: ClinVar variation 1184153 (VCV001184153.1), dbSNP rs2107670301, ClinGen allele CA2499216457.
Genomic context (GRCh38, chr3:128,483,858, plus strand): 5'-CTGTAATTAACCGCCAGCTCCTGCCCAGCAGCCCCCTCCCAGCCACCTGTGCCCGCTCCT[AC>A]CAGTCTTCGCTTGGGCTTGATGAGTGGTCGGTTCTGCCCATTCATCTTGTGGTAGAGGCC-3'